The following is an entry in ClinVar:

NM_017791.3(FLVCR2):c.520C>T (p.Pro174Ser)

Genes: FLVCR2 (FLVCR choline and putative heme transporter 2; plus strand), FLVCR2-AS1 (FLVCR2 antisense RNA 1; minus strand). Cytogenetic location: 14q24.3.
Variant type: single nucleotide variant.
Coding change: c.520C>T on transcript NM_017791.3 (MANE Select); coding-DNA position 520, C replaced by T.
Protein change: p.Pro174Ser; replaces proline 174 with serine.
Molecular consequence: missense variant. On other transcripts: non-coding transcript variant (1).
Genome position (GRCh38, 1-based): chr14:75,579,492, C>T. VCF-style: chr14-75579492-C-T. GRCh37 (hg19) VCF-style: chr14-76045835-C-T.
Other names: short protein forms P174S.
Identifiers: ClinVar variation 1951604 (VCV001951604.2), dbSNP rs761933931, ClinGen allele CA7278229.

ClinVar aggregate classification (germline): Uncertain significance (1 of 4 stars; one submission).

Allele frequency attached by ClinVar (database versions not stated): ExAC 0.00001.

Submission:

Labcorp Genetics (formerly Invitae), Labcorp
Classification: Uncertain significance. Last evaluated: 2022-05-04. Review status: criteria provided, single submitter. Criteria: Invitae Variant Classification Sherloc (09022015). Collection method: clinical testing. Allele origin: germline.
Comment: This sequence change replaces proline, which is neutral and non-polar, with serine, which is neutral and polar, at codon 174 of the FLVCR2 protein (p.Pro174Ser). This variant is present in population databases (rs761933931, gnomAD 0.01%). This variant has not been reported in the literature in individuals affected with FLVCR2-related conditions. Algorithms developed to predict the effect of missense changes on protein structure and function are either unavailable or do not agree on the potential impact of this missense change (SIFT: "Deleterious"; PolyPhen-2: "Possibly Damaging"; Align-GVGD: "Class C0"). In summary, the available evidence is currently insufficient to determine the role of this variant in disease. Therefore, it has been classified as a Variant of Uncertain Significance.